The following is an entry in ClinVar:

NM_016035.5(COQ4):c.300-2A>G

Gene: COQ4 (coenzyme Q4; plus strand). Cytogenetic location: 9q34.11.
Variant type: single nucleotide variant.
Coding change: c.300-2A>G on transcript NM_016035.5 (MANE Select); the canonical splice acceptor site of the intron before coding-DNA position 300, A replaced by G.
Molecular consequence: splice acceptor variant.
Genome position (GRCh38, 1-based): chr9:128,325,777, A>G. VCF-style: chr9-128325777-A-G. GRCh37 (hg19) VCF-style: chr9-131088056-A-G.
Other names: c.203-2A>G (NM_001305942.2).
Identifiers: ClinVar variation 577566 (VCV000577566.8), dbSNP rs141303335, ClinGen allele CA5260507.

ClinVar aggregate classification (germline): Likely pathogenic. Review status: criteria provided, multiple submitters, no conflicts (2 of 4 stars). 2 submissions from 2 submitters: Likely pathogenic (2). Last evaluated 2023-09-27.

Conditions:
Neonatal encephalomyopathy-cardiomyopathy-respiratory distress syndrome. Also called: Coenzyme Q10 deficiency, primary, 7. Identifiers: Orphanet 457185, MedGen C5568562, MONDO:0014562, OMIM 616276.

Allele frequency attached by ClinVar (database versions not stated): TOPMed below 0.00001; gnomAD 0.00001; gnomAD exomes 0.00001; ExAC 0.00002; ESP Exome Variant Server 0.00008.
gnomAD v4.1: 11 of 1,613,384 alleles (0.00068%); highest among the groups gnomAD compares: African/African-American, 0.0027%; no homozygotes.

Submissions (2):

Labcorp Genetics (formerly Invitae), Labcorp
Classification: Likely pathogenic for Neonatal encephalomyopathy-cardiomyopathy-respiratory distress syndrome. Last evaluated: 2023-09-27. Review status: criteria provided, single submitter. Criteria: Invitae Variant Classification Sherloc (09022015). Collection method: clinical testing. Allele origin: germline.
Comment: This sequence change affects an acceptor splice site in intron 3 of the COQ4 gene. It is expected to disrupt RNA splicing. Variants that disrupt the donor or acceptor splice site typically lead to a loss of protein function (PMID: 16199547), and loss-of-function variants in COQ4 are known to be pathogenic (PMID: 25658047). This variant is present in population databases (rs141303335, gnomAD 0.0009%). This variant has not been reported in the literature in individuals affected with COQ4-related conditions. ClinVar contains an entry for this variant (Variation ID: 577566). Algorithms developed to predict the effect of sequence changes on RNA splicing suggest that this variant may disrupt the consensus splice site. In summary, the currently available evidence indicates that the variant is pathogenic, but additional data are needed to prove that conclusively. Therefore, this variant has been classified as Likely Pathogenic.

Greenwood Genetic Center Diagnostic Laboratories, Greenwood Genetic Center
Classification: Likely pathogenic. Last evaluated: 2020-08-27. Review status: criteria provided, single submitter. Criteria: ACMG Guidelines, 2015. Collection method: clinical testing. Allele origin: germline. Affected: yes.

Literature cited by the submitters: PubMed 16199547 (cited by Labcorp Genetics (formerly Invitae), Labcorp); PubMed 25658047 (cited by Labcorp Genetics (formerly Invitae), Labcorp).